The following continues an entry in ClinVar:

NM_001244008.2(KIF1A):c.946C>T (p.Arg316Trp)

Gene: KIF1A. ClinVar aggregate classification (germline): Pathogenic/Likely pathogenic. Pathogenic (16); Likely pathogenic (1).

Submissions 10 to 18 of 18:

Institute of Medical Genetics and Applied Genomics, University Hospital Tübingen
Classification: Pathogenic. Last evaluated: 2020-10-23. Review status: criteria provided, single submitter. Criteria: ACMG Guidelines, 2015. Collection method: clinical testing. Allele origin: germline. Inheritance: Unknown mechanism. Affected: yes.

Centre for Mendelian Genomics, University Medical Centre Ljubljana
Classification: Pathogenic for Neuropathy, hereditary sensory and autonomic, type 2A. Last evaluated: 2019-03-30. Review status: criteria provided, single submitter. Criteria: ACMG Guidelines, 2015. Collection method: clinical testing. Allele origin: unknown. Affected: yes.
Comment: This variant was classified as: Pathogenic. The following ACMG criteria were applied in classifying this variant: PS1,PM2,PP3,.

Baylor Genetics
Classification: Pathogenic for Intellectual disability, autosomal dominant 9; Neuropathy, hereditary sensory, type 2C; Spastic paraplegia 30A, autosomal dominant. Last evaluated: 2018-10-12. Review status: criteria provided, single submitter. Criteria: ACMG Guidelines, 2015. Collection method: clinical testing. Allele origin: germline. Affected: yes.

Baylor Genetics
Classification: Pathogenic for Spastic paraplegia 30A, autosomal dominant. Last evaluated: 2018-02-16. Review status: criteria provided, single submitter. Criteria: ACMG Guidelines, 2015. Collection method: clinical testing. Allele origin: de novo. Affected: yes.
Comment: This variant was determined to be pathogenic according to ACMG Guidelines, 2015 [PMID:25741868]. This variant has been previously reported as de novo in patients with developmental delay, spasticity, ataxia, cerebellar atrophy, optic atrophy, and other symptoms [PMID 25265257, 28554332, 26354034]

Ambry Genetics
Classification: Pathogenic for Inborn genetic diseases. Last evaluated: 2018-02-02. Review status: criteria provided, single submitter. Criteria: Ambry Variant Classification Scheme 2023. Collection method: clinical testing. Allele origin: germline.
Comment: The p.R316W pathogenic mutation (also known as c.946C>T), located in coding exon 10 of the KIF1A gene, results from a C to T substitution at nucleotide position 946. The arginine at codon 316 is replaced by tryptophan, an amino acid with dissimilar properties. This alteration has been reported as de novo in the heterozygous state in multiple individuals with developmental delay, intellectual disability, cerebellar atrophy, spasticity, and optic nerve atrophy (Lee JR et al. Hum. Mutat., 2015 Jan;36:69-78; Bowling KM et al. Genome Med, 2017 05;9:43; Ohba C et al. J. Hum. Genet., 2015 Dec;60:739-42). Based on supporting evidence, p.R316W is interpreted as a disease-causing mutation.

Genome Diagnostics Laboratory, The Hospital for Sick Children
Classification: Likely pathogenic for Hereditary spastic paraplegia. Last evaluated: 2016-12-12. Review status: criteria provided, single submitter. Criteria: ACMG Guidelines, 2015. Collection method: clinical testing. Allele origin: germline. Affected: yes.

HudsonAlpha Institute for Biotechnology
Classification: Pathogenic for Intellectual disability, autosomal dominant 9. Last evaluated: 2016-02-11. Review status: criteria provided, single submitter. Criteria: HA_assertions_20161101. Collection method: research. Allele origin: de novo. Affected: yes. Observed: 1 variant allele. Study: CSER-HudsonAlpha.

CENTOGENE GmbH and LLC - Guiding Precision Medicine
Classification: Pathogenic for Intellectual disability, autosomal dominant 9. Review status: criteria provided, single submitter. Criteria: ACMG Guidelines, 2015. Collection method: clinical testing. Allele origin: germline. Affected: yes.

CHU Sainte-Justine Research Center, University of Montreal
Classification: Likely pathogenic for Mental retardation, autosomal dominant 9. Last evaluated: 2014-01-01. Review status: no assertion criteria provided. Collection method: clinical testing. Allele origin: de novo. Inheritance: Sporadic. Affected: yes. Observed: 1 variant allele, 1 heterozygote. Not counted in ClinVar's aggregate classification.

Literature cited by the submitters: PubMed 32935419 (cited by Variantyx, Inc. and 3billion); PubMed 33880452 (cited by Variantyx, Inc.); PubMed 31805580 (cited by Variantyx, Inc.); PubMed 25265257 (cited by 7 submitters); PubMed 26354034 (cited by 6 submitters); PubMed 26125038 (cited by Labcorp Genetics (formerly Invitae), Labcorp); PubMed 31455732 (cited by Victorian Clinical Genetics Services, Murdoch Childrens Research Institute); PubMed 31488895 (cited by Victorian Clinical Genetics Services, Murdoch Childrens Research Institute); PubMed 31700678 (cited by Victorian Clinical Genetics Services, Murdoch Childrens Research Institute); PubMed 32737135 (cited by Victorian Clinical Genetics Services, Murdoch Childrens Research Institute); PubMed 28554332 (cited by Baylor Genetics and Ambry Genetics); PubMed 32860008 (cited by CENTOGENE GmbH and LLC - Guiding Precision Medicine).